The following is an entry in ClinVar:

ClinVar aggregate classification (germline): Benign (0 of 4 stars; one submission).

Conditions:
CYP4F2-related disorder. Also called: CYP4F2-related condition.

Allele frequency attached by ClinVar (database versions not stated): 1000 Genomes Project 30x 0.12133; 1000 Genomes Project 0.12161; ExAC 0.14900; gnomAD 0.15048; TOPMed 0.15240; gnomAD exomes 0.15837; ESP Exome Variant Server 0.15885.
gnomAD v4.1: 250,920 of 1,592,672 alleles (16%); highest among the groups gnomAD compares: Middle Eastern, 18%; 20,660 homozygotes.

Submission:

PreventionGenetics, part of Exact Sciences
Classification: Benign for CYP4F2-related condition. Last evaluated: 2019-11-15. Review status: no assertion criteria provided. Collection method: clinical testing. Allele origin: germline.
Comment: This variant is classified as benign based on ACMG/AMP sequence variant interpretation guidelines (Richards et al. 2015 PMID: 25741868, with internal and published modifications).

NM_001082.5(CYP4F2):c.246C>T (p.Ala82=)

Gene: CYP4F2 (cytochrome P450 family 4 subfamily F member 2; minus strand). Cytogenetic location: 19p13.12.
Variant type: single nucleotide variant.
Coding change: c.246C>T on transcript NM_001082.5 (MANE Select); coding-DNA position 246, C replaced by T.
Protein change: p.Ala82=; no amino-acid change (alanine 82 retained).
Molecular consequence: synonymous variant.
Genome position (GRCh38, 1-based): chr19:15,895,603, G>A on the plus strand (C>T on the coding strand, the complement: CYP4F2 is on the minus strand). VCF-style: chr19-15895603-G-A. GRCh37 (hg19) VCF-style: chr19-16006413-G-A.
Identifiers: ClinVar variation 3060160 (VCV003060160.2), dbSNP rs3093114, ClinGen allele CA9274110.